The following is an entry in ClinVar:

NM_000383.4(AIRE):c.199del (p.Leu66_Leu67insTer)

Gene: AIRE (autoimmune regulator; plus strand). Cytogenetic location: 21q22.3.
Variant type: Deletion.
Coding change: c.199del on transcript NM_000383.4 (MANE Select); coding-DNA position 199, one base deleted (C; older notation c.199delC).
Protein change: p.Leu66_Leu67insTer.
Molecular consequence: nonsense.
Genome position (GRCh38, 1-based): chr21:44,286,623, C deleted. VCF-style (leftmost placement, unchanged base first): chr21-44286622-GC-G. GRCh37 (hg19) VCF-style: chr21-45706505-GC-G.
Identifiers: ClinVar variation 2440711 (VCV002440711.7), dbSNP rs2517876295, ClinGen allele CA2580098817.
Genomic context (GRCh38, chr21:44,286,622, plus strand): 5'-GCTTCATCTGAAGGAAAAGGAGGGCTGCCCCCAGGCCTTCCACGCCCTCCTGTCCTGGCT[GC>G]TGACCCAGGACTCCACAGCCATCCTGGACTTCTGGAGGGTGCTGTTCAAGGACTACAACC-3'

ClinVar aggregate classification (germline): Conflicting classifications of pathogenicity. Review status: criteria provided, conflicting classifications (1 of 4 stars). 3 submissions from 3 submitters: Pathogenic (1); Likely pathogenic (1); Uncertain significance (1). Last evaluated 2024-09-19.

Conditions:
Polyglandular autoimmune syndrome, type 1 (APS1). Also called: Autoimmune polyendocrinopathy syndrome , type I, with or without reversible metaphyseal dysplasia; APS I; AUTOIMMUNE POLYENDOCRINE SYNDROME, TYPE I, WITH OR WITHOUT REVERSIBLE METAPHYSEAL DYSPLASIA; HYPOADRENOCORTICISM WITH HYPOPARATHYROIDISM AND SUPERFICIAL MONILIASIS; Whitaker syndrome; Autoimmune polyendocrine syndrome type 1. Identifiers: Orphanet 3453, MedGen C0085859, MONDO:0009411, OMIM 240300.

Submissions (3):

Labcorp Genetics (formerly Invitae), Labcorp
Classification: Pathogenic for Polyglandular autoimmune syndrome, type 1. Last evaluated: 2024-09-19. Review status: criteria provided, single submitter. Criteria: Invitae Variant Classification Sherloc (09022015). Collection method: clinical testing. Allele origin: germline.
Comment: This sequence change creates a premature translational stop signal (p.Leu67*) in the AIRE gene. It is expected to result in an absent or disrupted protein product. Loss-of-function variants in AIRE are known to be pathogenic (PMID: 11524731, 26141571). This variant is not present in population databases (gnomAD no frequency). This variant has not been reported in the literature in individuals affected with AIRE-related conditions. ClinVar contains an entry for this variant (Variation ID: 2440711). For these reasons, this variant has been classified as Pathogenic.

Genomic Medicine Center of Excellence, King Faisal Specialist Hospital and Research Centre
Classification: Uncertain significance for Polyglandular autoimmune syndrome, type 1. Last evaluated: 2024-04-04. Review status: criteria provided, single submitter. Criteria: ACMG Guidelines, 2015. Collection method: clinical testing. Allele origin: germline.

Revvity Omics, Revvity
Classification: Likely pathogenic for Polyglandular autoimmune syndrome, type 1. Last evaluated: 2022-07-07. Review status: criteria provided, single submitter. Criteria: ACMG Guidelines, 2015. Collection method: clinical testing. Allele origin: germline.

Literature cited by the submitters: PubMed 11524731 (cited by Labcorp Genetics (formerly Invitae), Labcorp); PubMed 26141571 (cited by Labcorp Genetics (formerly Invitae), Labcorp).